The following is an entry in ClinVar:

NM_002206.3(ITGA7):c.1567+3G>T

Gene: ITGA7 (integrin subunit alpha 7; minus strand). Cytogenetic location: 12q13.2.
Variant type: single nucleotide variant.
Coding change: c.1567+3G>T on transcript NM_002206.3 (MANE Select); 3 bases into the intron after coding-DNA position 1567, G replaced by T.
Molecular consequence: intron variant.
Genome position (GRCh38, 1-based): chr12:55,697,213, C>A on the plus strand (G>T on the coding strand, the complement: ITGA7 is on the minus strand). VCF-style: chr12-55697213-C-A. GRCh37 (hg19) VCF-style: chr12-56090997-C-A.
Other names: c.1288+3G>T (NM_001144997.2); c.1240+3G>T (NM_001367993.1); c.1228+3G>T (NM_001414035.1); c.1384+3G>T (NM_001414033.1); c.223+3G>T (NM_001367994.1); c.1447+3G>T (NM_001414032.1); c.1480+3G>T (NM_001414031.1); c.1567+3G>T (NM_001374465.1, NM_001414034.1); and 3 more.
Identifiers: ClinVar variation 941620 (VCV000941620.8), dbSNP rs1488666622, ClinGen allele CA690129575.

ClinVar aggregate classification (germline): Uncertain significance (1 of 4 stars; one submission).

Conditions:
Congenital muscular dystrophy due to integrin alpha-7 deficiency. Also called: Congenital muscular dystrophy with integrin alpha-7 deficiency; Muscular dystrophy, congenital, due to ITGA7 deficiency; MYOPATHY, CONGENITAL, DUE TO INTEGRIN ALPHA-7 DEFICIENCY. Identifiers: Orphanet 34520, MedGen C2750786, MONDO:0013177, OMIM 613204.

Allele frequency attached by ClinVar (database versions not stated): TOPMed below 0.00001; gnomAD 0.00001.
gnomAD v4.1: 3 of 1,595,798 alleles (0.00019%); highest among the groups gnomAD compares: African/African-American, 0.0027%; no homozygotes.

Submission:

Labcorp Genetics (formerly Invitae), Labcorp
Classification: Uncertain significance for Congenital muscular dystrophy due to integrin alpha-7 deficiency. Last evaluated: 2022-07-12. Review status: criteria provided, single submitter. Criteria: Invitae Variant Classification Sherloc (09022015). Collection method: clinical testing. Allele origin: germline.
Comment: This sequence change falls in intron 11 of the ITGA7 gene. It does not directly change the encoded amino acid sequence of the ITGA7 protein. It affects a nucleotide within the consensus splice site. This variant is not present in population databases (gnomAD no frequency). This variant has not been reported in the literature in individuals affected with ITGA7-related conditions. ClinVar contains an entry for this variant (Variation ID: 941620). Variants that disrupt the consensus splice site are a relatively common cause of aberrant splicing (PMID: 17576681, 9536098). Algorithms developed to predict the effect of sequence changes on RNA splicing suggest that this variant may disrupt the consensus splice site. In summary, the available evidence is currently insufficient to determine the role of this variant in disease. Therefore, it has been classified as a Variant of Uncertain Significance.

Literature cited by the submitters: PubMed 17576681; PubMed 9536098.